The following is an entry in ClinVar:

ClinVar aggregate classification (germline): Uncertain significance. Review status: criteria provided, single submitter (1 of 4 stars). 2 submissions from 2 submitters: Uncertain significance (1). 1 of the submissions does not count toward it. Last evaluated 2021-08-27.

Conditions:
Hereditary insensitivity to pain with anhidrosis (CIPA). Also called: NTRK1 Congenital Insensitivity to Pain with Anhidrosis; INSENSITIVITY TO PAIN, CONGENITAL, WITH ANHIDROSIS; hereditary sensory and autonomic neuropathy type 4; NEUROPATHY, CONGENITAL SENSORY, WITH ANHIDROSIS; FAMILIAL DYSAUTONOMIA, TYPE II; HSAN Type IV. Identifiers: Orphanet 642, MedGen C0020074, MONDO:0009746, OMIM 256800.

Allele frequency attached by ClinVar (database versions not stated): TOPMed 0.00005.
gnomAD v4.1: 2 of 1,612,548 alleles (0.00012%); highest among the groups gnomAD compares: African/African-American, 0.0013%; no homozygotes.

Submissions (2):

Labcorp Genetics (formerly Invitae), Labcorp
Classification: Uncertain significance for Hereditary insensitivity to pain with anhidrosis. Last evaluated: 2021-08-27. Review status: criteria provided, single submitter. Criteria: Invitae Variant Classification Sherloc (09022015). Collection method: clinical testing. Allele origin: germline.
Comment: This sequence change replaces arginine with glycine at codon 314 of the NTRK1 protein (p.Arg314Gly). The arginine residue is moderately conserved and there is a moderate physicochemical difference between arginine and glycine. This variant is not present in population databases (ExAC no frequency). This variant has not been reported in the literature in individuals affected with NTRK1-related conditions. Algorithms developed to predict the effect of missense changes on protein structure and function (SIFT, PolyPhen-2, Align-GVGD) all suggest that this variant is likely to be tolerated. In summary, the available evidence is currently insufficient to determine the role of this variant in disease. Therefore, it has been classified as a Variant of Uncertain Significance.

Natera, Inc.
Classification: Uncertain significance for Hereditary insensitivity to pain with anhidrosis. Last evaluated: 2021-04-16. Review status: no assertion criteria provided. Collection method: clinical testing. Allele origin: germline. Not counted in ClinVar's aggregate classification.

NM_002529.4(NTRK1):c.940C>G (p.Arg314Gly)

Gene: NTRK1 (neurotrophic receptor tyrosine kinase 1; plus strand). Cytogenetic location: 1q23.1.
Variant type: single nucleotide variant.
Coding change: c.940C>G on transcript NM_002529.4 (MANE Select); coding-DNA position 940, C replaced by G.
Protein change: p.Arg314Gly; replaces arginine 314 with glycine.
Molecular consequence: missense variant.
Genome position (GRCh38, 1-based): chr1:156,873,722, C>G. VCF-style: chr1-156873722-C-G. GRCh37 (hg19) VCF-style: chr1-156843514-C-G.
Other names: c.850C>G, p.Arg284Gly (NM_001007792.1); c.940C>G, p.Arg314Gly (NM_001012331.2); short protein forms R284G, R314G.
Identifiers: ClinVar variation 855094 (VCV000855094.10), dbSNP rs137994522, ClinGen allele CA342935801.